The following is an entry in ClinVar:

ClinVar aggregate classification (germline): Uncertain significance (1 of 4 stars; one submission).

Conditions:
Tuberous sclerosis 2 (TSC2). Identifiers: Orphanet 805, MedGen C1860707, MONDO:0013199, OMIM 613254.

Submission:

Labcorp Genetics (formerly Invitae), Labcorp
Classification: Uncertain significance for Tuberous sclerosis 2. Last evaluated: 2024-06-04. Review status: criteria provided, single submitter. Criteria: Invitae Variant Classification Sherloc (09022015). Collection method: clinical testing. Allele origin: germline.
Comment: This sequence change replaces aspartic acid, which is acidic and polar, with valine, which is neutral and non-polar, at codon 1465 of the TSC2 protein (p.Asp1465Val). This variant is not present in population databases (gnomAD no frequency). This variant has not been reported in the literature in individuals affected with TSC2-related conditions. Advanced modeling of protein sequence and biophysical properties (such as structural, functional, and spatial information, amino acid conservation, physicochemical variation, residue mobility, and thermodynamic stability) performed at Invitae indicates that this missense variant is not expected to disrupt TSC2 protein function with a negative predictive value of 95%. In summary, the available evidence is currently insufficient to determine the role of this variant in disease. Therefore, it has been classified as a Variant of Uncertain Significance.

NM_000548.5(TSC2):c.4394A>T (p.Asp1465Val)

Gene: TSC2 (TSC complex subunit 2; plus strand). Cytogenetic location: 16p13.3.
Variant type: single nucleotide variant.
Coding change: c.4394A>T on transcript NM_000548.5 (MANE Select); coding-DNA position 4394, A replaced by T.
Protein change: p.Asp1465Val; replaces aspartic acid 1465 with valine.
Molecular consequence: missense variant. On other transcripts: non-coding transcript variant (5).
Genome position (GRCh38, 1-based): chr16:2,084,616, A>T. VCF-style: chr16-2084616-A-T. GRCh37 (hg19) VCF-style: chr16-2134617-A-T.
Other names: c.4193A>T, p.Asp1398Val (NM_001077183.3); c.4325A>T, p.Asp1442Val (NM_001114382.3); c.4085A>T, p.Asp1362Val (NM_001318827.2); c.4049A>T, p.Asp1350Val (NM_001318829.2); c.3662A>T, p.Asp1221Val (NM_001318831.2); c.4226A>T, p.Asp1409Val (NM_001318832.2); c.4196A>T, p.Asp1399Val (NM_001363528.2); c.4178A>T, p.Asp1393Val (NM_001406675.1); and 26 more; short protein forms D1198V, D1199V, D1349V, D1379V, D1392V, D1394V, D1439V, D1442V.
Identifiers: ClinVar variation 3637240 (VCV003637240.2).
Genomic context (GRCh38, chr16:2,084,616, plus strand): 5'-TGCCTTCCAGCTCCCCCCGCTCGCCCAGTGGCCTCCGGCCCCGAGGTTACACCATCTCCG[A>T]CTCGGCCCCATCACGCAGGGGCAAGAGAGTAGAGAGGGACGCCTTAAAGAGCAGAGCCAC-3'
Protein context (NP_000539.2, residues 1455-1475): GLRPRGYTIS[Asp1465Val]SAPSRRGKRV